The following is an entry in ClinVar:

NM_001040142.2(SCN2A):c.3921A>G (p.Thr1307=)

Gene: SCN2A (sodium voltage-gated channel alpha subunit 2; plus strand). Cytogenetic location: 2q24.3.
Variant type: single nucleotide variant.
Coding change: c.3921A>G on transcript NM_001040142.2 (MANE Select); coding-DNA position 3921, A replaced by G.
Protein change: p.Thr1307=; no amino-acid change (threonine 1307 retained).
Molecular consequence: synonymous variant.
Genome position (GRCh38, 1-based): chr2:165,373,296, A>G. VCF-style: chr2-165373296-A-G. GRCh37 (hg19) VCF-style: chr2-166229806-A-G.
Other names: c.3921A>G, p.Thr1307= (NM_001040143.2, NM_001371246.1, NM_001371247.1 and 1 more transcripts).
Identifiers: ClinVar variation 671550 (VCV000671550.1), dbSNP rs775124046, ClinGen allele CA1940197.
Genomic context (GRCh38, chr2:165,373,296, plus strand): 5'-TAGCTTAACTGCAAATGCCTTGGGTTACTCAGAACTTGGTGCCATCAAATCCCTCAGAAC[A>G]CTAAGAGCTCTGAGGCCACTGAGAGCTTTGTCCCGGTTTGAAGGAATGAGGGTAAGACTG-3'
Protein context (NP_001035232.1, residues 1297-1317): SELGAIKSLR[Thr1307=]LRALRPLRAL

ClinVar aggregate classification (germline): Likely benign (1 of 4 stars; one submission).

Allele frequency attached by ClinVar (database versions not stated): ExAC 0.00001; gnomAD exomes below 0.00001.
gnomAD v4.1: 6 of 1,613,134 alleles (0.00037%); highest among the groups gnomAD compares: South Asian, 0.0044%; no homozygotes.

Submission:

GeneDx
Classification: Likely benign. Last evaluated: 2018-06-19. Review status: criteria provided, single submitter. Criteria: GeneDx Variant Classification (06012015). Collection method: clinical testing. Allele origin: germline. Affected: yes.
Comment: This variant is considered likely benign or benign based on one or more of the following criteria: it is a conservative change, it occurs at a poorly conserved position in the protein, it is predicted to be benign by multiple in silico algorithms, and/or has population frequency not consistent with disease.